The following is an entry in ClinVar:

ClinVar aggregate classification (germline): Uncertain significance (1 of 4 stars; one submission).

gnomAD v4.1: 3 of 1,462,178 alleles (0.00021%); highest among the groups gnomAD compares: African/African-American, 0.0042%; no homozygotes.

Submission:

Ambry Genetics
Classification: Uncertain significance. Last evaluated: 2026-06-23. Review status: criteria provided, single submitter. Criteria: Ambry Variant Classification Scheme 2023. Collection method: clinical testing. Allele origin: germline.
Comment: The c.940+4T>A intronic variant results from a T to A substitution 4 nucleotides after coding exon 9 in the KIF1B gene. This nucleotide position is not well conserved in available vertebrate species. In silico splice site analysis predicts that this alteration will not have any significant effect on splicing. The evidence for this gene-disease relationship is limited; therefore, the clinical significance of this variant is unclear.

NM_001365951.3(KIF1B):c.958+4T>A

Gene: KIF1B (kinesin family member 1B; plus strand). Cytogenetic location: 1p36.22.
Variant type: single nucleotide variant.
Coding change: c.958+4T>A on transcript NM_001365951.3 (MANE Select); 4 bases into the intron after coding-DNA position 958, T replaced by A.
Molecular consequence: intron variant.
Genome position (GRCh38, 1-based): chr1:10,275,507, T>A. VCF-style: chr1-10275507-T-A. GRCh37 (hg19) VCF-style: chr1-10335565-T-A.
Other names: c.940+4T>A (NM_183416.4, NM_015074.3, NM_001365953.1); c.958+4T>A (NM_001365952.1).
Identifiers: ClinVar variation 5023167 (VCV005023167.1).
Genomic context (GRCh38, chr1:10,275,507, plus strand): 5'-CAGATTTTATTCCCTACAGGGATTCTGTACTTACTTGGCTCCTTCGAGAAAATTTAGGTA[T>A]GTTGACCACTAGTGAAAAGTAGTTATCTTTTTAACTTTGATTATCTTTTGTGGTTAATTG-3'